The following is an entry in ClinVar:

NM_016203.4(PRKAG2):c.547G>T (p.Glu183Ter)

Gene: PRKAG2 (protein kinase AMP-activated non-catalytic subunit gamma 2; minus strand). Cytogenetic location: 7q36.1.
Variant type: single nucleotide variant.
Coding change: c.547G>T on transcript NM_016203.4 (MANE Select); coding-DNA position 547, G replaced by T.
Protein change: p.Glu183Ter; replaces glutamic acid 183 with a stop codon.
Molecular consequence: nonsense. On other transcripts: intron variant (5).
Genome position (GRCh38, 1-based): chr7:151,675,557, C>A on the plus strand (G>T on the coding strand, the complement: PRKAG2 is on the minus strand). VCF-style: chr7-151675557-C-A. GRCh37 (hg19) VCF-style: chr7-151372643-C-A.
Other names: c.415G>T, p.Glu139Ter (NM_001040633.2, NM_001407024.1, NM_001407026.1 and 1 more transcripts); c.175G>T, p.Glu59Ter (NM_001304527.2, NM_001363698.2, NM_001407028.1 and 1 more transcripts); c.547G>T, p.Glu183Ter (NM_001407021.1, NM_001407022.1, NM_001407023.1); c.229G>T, p.Glu77Ter (NM_001407032.1); c.467-80106G>T (NM_001407031.1); c.467-80103G>T (NM_001407030.1); c.361-43419G>T (NM_001407033.1); c.94+60343G>T (NM_001407037.1); and 1 more; short protein forms E77*, E139*, E59*, E183*.
Identifiers: ClinVar variation 4723343 (VCV004723343.1).

ClinVar aggregate classification (germline): Uncertain significance (1 of 4 stars; one submission).

Conditions:
Lethal congenital glycogen storage disease of heart. Also called: GLYCOGEN STORAGE DISEASE OF HEART; PHOSPHORYLASE KINASE DEFICIENCY OF HEART. Identifiers: Orphanet 439854, MedGen C1849813, MONDO:0009867, OMIM 261740.

Submission:

Labcorp Genetics (formerly Invitae), Labcorp
Classification: Uncertain significance for Lethal congenital glycogen storage disease of heart. Last evaluated: 2025-12-29. Review status: criteria provided, single submitter. Criteria: Invitae Variant Classification Sherloc (09022015). Collection method: clinical testing. Allele origin: germline.
Comment: This sequence change creates a premature translational stop signal (p.Glu183*) in the PRKAG2 gene. It is expected to result in an absent or disrupted protein product. However, the current clinical and genetic evidence is not sufficient to establish whether loss-of-function variants in PRKAG2 cause disease. This variant is not present in population databases (gnomAD no frequency). This variant has not been reported in the literature in individuals affected with PRKAG2-related conditions. Algorithms developed to predict the effect of sequence changes on RNA splicing suggest that this variant may disrupt the consensus splice site. In summary, the available evidence is currently insufficient to determine the role of this variant in disease. Therefore, it has been classified as a Variant of Uncertain Significance.